The following is an entry in ClinVar:

ClinVar aggregate classification (germline): Conflicting classifications of pathogenicity. Review status: criteria provided, conflicting classifications (1 of 4 stars). 2 submissions from 2 submitters: Uncertain significance (1); Likely benign (1). Last evaluated 2023-05-01.

Conditions:
Hereditary spastic paraplegia 48. Also called: Spastic paraplegia 48; SPASTIC PARAPLEGIA 48, AUTOSOMAL RECESSIVE. Identifiers: Orphanet 306511, MedGen C3150901, MONDO:0013342, OMIM 613647.

Allele frequency attached by ClinVar (database versions not stated): 1000 Genomes Project 0.00120; 1000 Genomes Project 30x 0.00125; TOPMed 0.00294; gnomAD 0.00369 and 0.00387; gnomAD exomes 0.00398.
gnomAD v4.1: 565 of 154,308 alleles (0.37%); highest among the groups gnomAD compares: Non-Finnish European, 0.58%; 3 homozygotes.

Submissions (2):

CeGaT Center for Human Genetics Tuebingen
Classification: Likely benign. Last evaluated: 2023-05-01. Review status: criteria provided, single submitter. Criteria: CeGaT Center For Human Genetics Tuebingen Variant Classification Criteria Version 2. Collection method: clinical testing. Allele origin: germline. Affected: yes. Observed: 6 variant alleles.
Comment: AP5Z1: BS2

Illumina Laboratory Services, Illumina
Classification: Uncertain significance for Hereditary spastic paraplegia 48. Last evaluated: 2018-01-13. Review status: criteria provided, single submitter. Criteria: ICSL Variant Classification Criteria 13 December 2019. Collection method: clinical testing. Allele origin: germline.

NM_014855.3(AP5Z1):c.*532G>A

Gene: AP5Z1 (adaptor related protein complex 5 subunit zeta 1; plus strand). Cytogenetic location: 7p22.1.
Variant type: single nucleotide variant.
Coding change: c.*532G>A on transcript NM_014855.3 (MANE Select); 532 bases downstream of the stop codon, G replaced by A.
Molecular consequence: 3 prime UTR variant. On other transcripts: non-coding transcript variant (1).
Genome position (GRCh38, 1-based): chr7:4,791,917, G>A. VCF-style: chr7-4791917-G-A. GRCh37 (hg19) VCF-style: chr7-4831548-G-A.
Other names: c.*532G>A (LRG_1247t1, NM_001364858.1).
Identifiers: ClinVar variation 360355 (VCV000360355.34), dbSNP rs527985598, ClinGen allele CA10629282.